The following is an entry in ClinVar:

NM_001105206.3(LAMA4):c.1354G>T (p.Glu452Ter)

Gene: LAMA4 (laminin subunit alpha 4; minus strand). Cytogenetic location: 6q21.
Variant type: single nucleotide variant.
Coding change: c.1354G>T on transcript NM_001105206.3 (MANE Select); coding-DNA position 1354, G replaced by T.
Protein change: p.Glu452Ter; replaces glutamic acid 452 with a stop codon.
Molecular consequence: nonsense.
Genome position (GRCh38, 1-based): chr6:112,175,316, C>A on the plus strand (G>T on the coding strand, the complement: LAMA4 is on the minus strand). VCF-style: chr6-112175316-C-A. GRCh37 (hg19) VCF-style: chr6-112496518-C-A.
Other names: c.1333G>T, p.Glu445Ter (NM_001105207.3, NM_002290.5); short protein forms E445*, E452*.
Identifiers: ClinVar variation 2038880 (VCV002038880.4), dbSNP rs1554343251, ClinGen allele CA365371540.

ClinVar aggregate classification (germline): Uncertain significance (1 of 4 stars; one submission).

Conditions:
Dilated cardiomyopathy 1JJ (CMD1JJ). Identifiers: Orphanet 154, MedGen C3808935, MONDO:0014095, OMIM 615235.

gnomAD v4.1: 3 of 1,613,898 alleles (0.00019%); highest among the groups gnomAD compares: South Asian, 0.0011%; no homozygotes.

Submission:

Labcorp Genetics (formerly Invitae), Labcorp
Classification: Uncertain significance for Dilated cardiomyopathy 1JJ. Last evaluated: 2023-11-22. Review status: criteria provided, single submitter. Criteria: Invitae Variant Classification Sherloc (09022015). Collection method: clinical testing. Allele origin: germline.
Comment: This sequence change creates a premature translational stop signal (p.Glu445*) in the LAMA4 gene. It is expected to result in an absent or disrupted protein product. However, the current clinical and genetic evidence is not sufficient to establish whether loss-of-function variants in LAMA4 cause disease. This variant is not present in population databases (gnomAD no frequency). This variant has not been reported in the literature in individuals affected with LAMA4-related conditions. ClinVar contains an entry for this variant (Variation ID: 2038880). In summary, the available evidence is currently insufficient to determine the role of this variant in disease. Therefore, it has been classified as a Variant of Uncertain Significance.